The following is an entry in ClinVar:

ClinVar aggregate classification (germline): Likely benign (1 of 4 stars; one submission).

Submission:

GeneDx
Classification: Likely benign. Last evaluated: 2016-01-28. Review status: criteria provided, single submitter. Criteria: GeneDx Variant Classification (06012015). Collection method: clinical testing. Allele origin: germline. Affected: yes.
Comment: This variant is considered likely benign or benign based on one or more of the following criteria: it is a conservative change, it occurs at a poorly conserved position in the protein, it is predicted to be benign by multiple in silico algorithms, and/or has population frequency not consistent with disease.

NM_002474.3(MYH11):c.5786+6_5786+8del

Genes: MYH11 (myosin heavy chain 11; minus strand), NDE1 (nudE neurodevelopment protein 1; plus strand). Cytogenetic location: 16p13.11.
Variant type: Microsatellite.
Coding change: c.5786+6_5786+8del on transcript NM_002474.3 (MANE Select); bases 6 to 8 of the intron after coding-DNA position 5786, 3 bases deleted (GAG; older notation c.5786+6_5786+8delGAG).
Molecular consequence: intron variant.
Genome position (GRCh38, 1-based): chr16:15,714,901-15,714,903, CTC deleted on the plus strand (GAG on the coding strand, the reverse complement: MYH11 is on the minus strand); deleting any 3 consecutive bases within chr16:15,714,901-15,714,906 gives the same sequence; the c. name uses the placement nearest the transcript's 3' end. VCF-style (leftmost placement, unchanged base first): chr16-15714900-GCTC-G. GRCh37 (hg19) VCF-style: chr16-15808757-GCTC-G.
Other names: c.5786+6_5786+8delGAG (NM_002474.2); c.948-9287_948-9285del (NM_001143979.2, NM_017668.3); c.5786+6_5786+8del (NM_022844.3); c.5807+6_5807+8del (NM_001040114.2, NM_001040113.2).
Identifiers: ClinVar variation 420397 (VCV000420397.1), dbSNP rs1064794454, ClinGen allele CA16620072.